The following is an entry in ClinVar:

ClinVar aggregate classification (germline): Uncertain significance. Review status: criteria provided, multiple submitters, no conflicts (2 of 4 stars). 2 submissions from 2 submitters: Uncertain significance (2). Last evaluated 2021-09-13.

Conditions:
Imerslund-Grasbeck syndrome type 1 (IGS1). Also called: Megaloblastic anemia 1, Finnish type; MEGALOBLASTIC ANEMIA, 1; Imerslund-Gräsbeck syndrome 1. Identifiers: MedGen C4016819, MONDO:0100156, OMIM 261100.
Proteinuria, chronic benign. Identifiers: MedGen C5394384, MONDO:0030042, OMIM 618884.
Imerslund-Grasbeck syndrome. Also called: Megaloblastic anemia due to inborn errors of metabolism; ENTEROCYTE COBALAMIN MALABSORPTION; ENTEROCYTE INTRINSIC FACTOR RECEPTOR, DEFECT OF; Imerslund-Gräsbeck syndrome; PERNICIOUS ANEMIA, JUVENILE, DUE TO SELECTIVE INTESTINAL MALABSORPTION OF VITAMIN B12, WITH PROTEINURIA. Identifiers: Orphanet 35858, MedGen C4551825, MONDO:0009853.

Allele frequency attached by ClinVar (database versions not stated): ExAC 0.00001; TOPMed 0.00002; gnomAD exomes below 0.00001; gnomAD 0.00001.
gnomAD v4.1: 3 of 1,613,420 alleles (0.00019%); highest among the groups gnomAD compares: African/African-American, 0.0027%; no homozygotes.

Submissions (2):

Fulgent Genetics
Classification: Uncertain significance for Imerslund-Grasbeck syndrome type 1; Proteinuria, chronic benign. Last evaluated: 2021-09-13. Review status: criteria provided, single submitter. Criteria: ACMG Guidelines, 2015. Collection method: clinical testing. Allele origin: unknown.

Labcorp Genetics (formerly Invitae), Labcorp
Classification: Uncertain significance for Imerslund-Grasbeck syndrome. Last evaluated: 2018-12-04. Review status: criteria provided, single submitter. Criteria: Invitae Variant Classification Sherloc (09022015). Collection method: clinical testing. Allele origin: germline.
Comment: In summary, the available evidence is currently insufficient to determine the role of this variant in disease. Therefore, it has been classified as a Variant of Uncertain Significance. Algorithms developed to predict the effect of missense changes on protein structure and function are either unavailable or do not agree on the potential impact of this missense change (SIFT: "Deleterious"; PolyPhen-2: "Probably Damaging"; Align-GVGD: "Class C0"). This variant has not been reported in the literature in individuals with CUBN-related conditions. This variant is present in population databases (rs757185023, ExAC 0.002%). This sequence change replaces glycine with glutamic acid at codon 941 of the CUBN protein (p.Gly941Glu). The glycine residue is highly conserved and there is a moderate physicochemical difference between glycine and glutamic acid.

NM_001081.4(CUBN):c.2822G>A (p.Gly941Glu)

Gene: CUBN (cubilin; minus strand). Cytogenetic location: 10p13.
Variant type: single nucleotide variant.
Coding change: c.2822G>A on transcript NM_001081.4 (MANE Select); coding-DNA position 2822, G replaced by A.
Protein change: p.Gly941Glu; replaces glycine 941 with glutamic acid.
Molecular consequence: missense variant.
Genome position (GRCh38, 1-based): chr10:17,068,250, C>T on the plus strand (G>A on the coding strand, the complement: CUBN is on the minus strand). VCF-style: chr10-17068250-C-T. GRCh37 (hg19) VCF-style: chr10-17110249-C-T.
Other names: short protein forms G941E.
Identifiers: ClinVar variation 646647 (VCV000646647.10), dbSNP rs757185023, ClinGen allele CA5424848.